The following is an entry in ClinVar:

NM_001267550.2(TTN):c.45991del (p.Thr15331fs)

Gene: TTN (titin; minus strand). Cytogenetic location: 2q31.2.
Variant type: Deletion.
Coding change: c.45991del on transcript NM_001267550.2 (MANE Select); coding-DNA position 45991, one base deleted (A; older notation c.45991delA).
Protein change: p.Thr15331fs; shifts the reading frame from threonine 15331.
Molecular consequence: frameshift variant.
Genome position (GRCh38, 1-based): chr2:178,620,530, T deleted on the plus strand (A on the coding strand, the reverse complement: TTN is on the minus strand); the first of 2 consecutive T bases (chr2:178,620,530-178,620,531); deleting either gives the same sequence. VCF-style (leftmost placement, unchanged base first): chr2-178620529-GT-G. GRCh37 (hg19) VCF-style: chr2-179485256-GT-G.
Other names: c.41068del, p.Thr13690fs (NM_001256850.1); c.18796del, p.Thr6266fs (NM_003319.4); c.38287del, p.Thr12763fs (NM_133378.4); c.19171del, p.Thr6391fs (NM_133432.3); c.19372del, p.Thr6458fs (NM_133437.4); short protein forms T12763fs, T13690fs, T15331fs, T6266fs, T6391fs, T6458fs.
Identifiers: ClinVar variation 3756206 (VCV003756206.2).

ClinVar aggregate classification (germline): Likely pathogenic (1 of 4 stars; one submission).

Conditions:
Dilated cardiomyopathy 1G (CMD1G). Identifiers: Orphanet 154, MedGen C1858763, MONDO:0011400, OMIM 604145.
Autosomal recessive limb-girdle muscular dystrophy type 2J (LGMDR10). Also called: Limb-girdle muscular dystrophy, type 2J; MUSCULAR DYSTROPHY, LIMB-GIRDLE, AUTOSOMAL RECESSIVE 10. Identifiers: Orphanet 140922, MedGen C1837342, MONDO:0012127, OMIM 608807.

Submission:

Labcorp Genetics (formerly Invitae), Labcorp
Classification: Likely pathogenic for Dilated cardiomyopathy 1G; Autosomal recessive limb-girdle muscular dystrophy type 2J. Last evaluated: 2024-05-12. Review status: criteria provided, single submitter. Criteria: Invitae Variant Classification Sherloc (09022015). Collection method: clinical testing. Allele origin: germline.
Comment: This sequence change creates a premature translational stop signal (p.Thr15331Hisfs*2) in the TTN gene. While this is not anticipated to result in nonsense mediated decay, it is expected to create a truncated TTN protein. This variant is not present in population databases (gnomAD no frequency). This variant has not been reported in the literature in individuals affected with TTN-related conditions. This variant is located in the I band of TTN (PMID: 25589632). Truncating variants in this region have been reported in individuals affected with autosomal recessive centronuclear myopathy (PMID: 23975875, Invitae internal data). Truncating variants in this region have also been identified in individuals affected with autosomal dominant dilated cardiomyopathy and/or cardio-related conditions (PMID: 27869827, 32964742, Invitae internal data). In summary, the currently available evidence indicates that the variant is pathogenic, but additional data are needed to prove that conclusively. Therefore, this variant has been classified as Likely Pathogenic.

Literature cited by the submitters: PubMed 25589632; PubMed 23975875; PubMed 27869827; PubMed 32964742.